The following is an entry in ClinVar:

ClinVar aggregate classification (germline): Uncertain significance (1 of 4 stars; one submission).

Allele frequency attached by ClinVar (database versions not stated): gnomAD 0.00001.
gnomAD v4.1: 5 of 1,614,032 alleles (0.00031%); highest among the groups gnomAD compares: Non-Finnish European, 0.00042%; no homozygotes.

Submission:

Labcorp Genetics (formerly Invitae), Labcorp
Classification: Uncertain significance. Last evaluated: 2024-03-01. Review status: criteria provided, single submitter. Criteria: Invitae Variant Classification Sherloc (09022015). Collection method: clinical testing. Allele origin: germline.
Comment: This sequence change replaces aspartic acid, which is acidic and polar, with alanine, which is neutral and non-polar, at codon 722 of the RBBP8 protein (p.Asp722Ala). This variant is present in population databases (rs750234883, gnomAD 0.004%). This variant has not been reported in the literature in individuals affected with RBBP8-related conditions. ClinVar contains an entry for this variant (Variation ID: 1374819). Advanced modeling of protein sequence and biophysical properties (such as structural, functional, and spatial information, amino acid conservation, physicochemical variation, residue mobility, and thermodynamic stability) performed at Invitae indicates that this missense variant is expected to disrupt RBBP8 protein function with a positive predictive value of 80%. In summary, the available evidence is currently insufficient to determine the role of this variant in disease. Therefore, it has been classified as a Variant of Uncertain Significance.

NM_002894.3(RBBP8):c.2165A>C (p.Asp722Ala)

Gene: RBBP8 (RB binding protein 8, endonuclease; plus strand). Cytogenetic location: 18q11.2.
Variant type: single nucleotide variant.
Coding change: c.2165A>C on transcript NM_002894.3 (MANE Select); coding-DNA position 2165, A replaced by C.
Protein change: p.Asp722Ala; replaces aspartic acid 722 with alanine.
Molecular consequence: missense variant.
Genome position (GRCh38, 1-based): chr18:23,001,607, A>C. VCF-style: chr18-23001607-A-C. GRCh37 (hg19) VCF-style: chr18-20581570-A-C.
Other names: c.2165A>C, p.Asp722Ala (NM_203291.2, NM_203292.2); short protein forms D722A.
Identifiers: ClinVar variation 1374819 (VCV001374819.6), dbSNP rs750234883, ClinGen allele CA8910273.